The following is an entry in ClinVar:

ClinVar aggregate classification (germline): Likely pathogenic (1 of 4 stars; one submission).

gnomAD v4.1: 1 of 1,613,992 alleles (0.000062%); highest among the groups gnomAD compares: Non-Finnish European, 0.000085%; no homozygotes.

Submission:

GeneDx
Classification: Likely pathogenic. Last evaluated: 2023-09-29. Review status: criteria provided, single submitter. Criteria: GeneDx Variant Classification Process June 2021. Collection method: clinical testing. Allele origin: germline. Affected: yes.
Comment: Not observed in large population cohorts (gnomAD); In silico analysis supports that this missense variant has a deleterious effect on protein structure/function; This variant is associated with the following publications: (PMID: 24732674)

NM_023110.3(FGFR1):c.1936C>T (p.Arg646Trp)

Gene: FGFR1 (fibroblast growth factor receptor 1; minus strand). Cytogenetic location: 8p11.23.
Variant type: single nucleotide variant.
Coding change: c.1936C>T on transcript NM_023110.3 (MANE Select); coding-DNA position 1936, C replaced by T.
Protein change: p.Arg646Trp; replaces arginine 646 with tryptophan.
Molecular consequence: missense variant.
Genome position (GRCh38, 1-based): chr8:38,414,820, G>A on the plus strand (C>T on the coding strand, the complement: FGFR1 is on the minus strand). VCF-style: chr8-38414820-G-A. GRCh37 (hg19) VCF-style: chr8-38272338-G-A.
Other names: c.1663C>T, p.Arg555Trp (NM_023106.3, NM_001354370.2); c.1930C>T, p.Arg644Trp (NM_001174063.2, NM_001174065.2, NM_001354367.2 and 1 more transcripts); c.1906C>T, p.Arg636Trp (NM_001174064.2); c.1669C>T, p.Arg557Trp (NM_001174066.2, NM_023105.3); c.2029C>T, p.Arg677Trp (NM_001174067.2); c.1657C>T, p.Arg553Trp (NM_001354368.2); c.1924C>T, p.Arg642Trp (NM_001354369.2); short protein forms R553W, R555W, R557W, R636W, R642W, R644W, R646W, R677W.
Identifiers: ClinVar variation 1212943 (VCV001212943.7), dbSNP rs753193082, ClinGen allele CA370730247.
Genomic context (GRCh38, chr8:38,414,820, plus strand): 5'-CGGCCTTGTCGGCACTCACGTTGGTTGTCTTTTTATAGTAGTCGATGTGGTGAATGTCCC[G>A]TGCGAGGCCAAAGTCTGCTATCTTCATCACATTGTCCTCTGTCACCAGGACATTCCTGGC-3'
Protein context (NP_075598.2, residues 636-656): VMKIADFGLA[Arg646Trp]DIHHIDYYKK